The following is an entry in ClinVar:

NC_000017.10:g.(?_48275073)_(48278874_?)del

Gene: COL1A1 (collagen type I alpha 1 chain; minus strand). Cytogenetic location: 17q21.33.
Variant type: Deletion.
Identifiers: ClinVar variation 3242840 (VCV003242840.1).

ClinVar aggregate classification (germline): Pathogenic (1 of 4 stars; one submission).

Conditions:
Osteogenesis imperfecta type I (OI1). Also called: Lobstein disease; Osteogenesis imperfecta type 1; Classic Non-deforming Osteogenesis Imperfecta with Blue Sclerae; OI, TYPE I; OSTEOGENESIS IMPERFECTA TARDA; OSTEOGENESIS IMPERFECTA WITH BLUE SCLERAE. Identifiers: Orphanet 216796, Orphanet 666, MedGen C0023931, MONDO:0008146, OMIM 166200. Disease mechanism: loss of function.

Submission:

Labcorp Genetics (formerly Invitae), Labcorp
Classification: Pathogenic for Osteogenesis imperfecta type I. Last evaluated: 2024-01-15. Review status: criteria provided, single submitter. Criteria: Invitae Variant Classification Sherloc (09022015). Collection method: clinical testing. Allele origin: unknown.
Comment: This variant is a gross deletion of the genomic region encompassing exon(s) 1-9 of the COL1A1 gene, which includes the initiator codon. This deletion extends beyond the assayed region for this gene and therefore may encompass additional genes. It is expected to result in an absent or disrupted protein product. Loss-of-function variants in COL1A1 are known to be pathogenic (PMID: 7942841, 9295084, 9443882). This variant has not been reported in the literature in individuals affected with COL1A1-related conditions. For these reasons, this variant has been classified as Pathogenic.

Literature cited by the submitters: PubMed 7942841; PubMed 9295084; PubMed 9443882.